The following is an entry in ClinVar:

ClinVar aggregate classification (germline): Pathogenic (1 of 4 stars; one submission).

Conditions:
Arrhythmogenic right ventricular dysplasia 8 (ARVD8). Also called: Arrhythmogenic Right Ventricular Dysplasia/Cardiomyopathy 8; ARRHYTHMOGENIC RIGHT VENTRICULAR DYSPLASIA, FAMILIAL, 8; ARRHYTHMOGENIC RIGHT VENTRICULAR CARDIOMYOPATHY 8. Identifiers: MedGen C1843896, MONDO:0011831, OMIM 607450.
Arrhythmogenic cardiomyopathy with wooly hair and keratoderma. Also called: Arrhythmogenic cardiomyopathy with woolly hair and keratoderma; Carvajal syndrome; Dilated cardiomyopathy with woolly hair and keratoderma; PALMOPLANTAR KERATODERMA WITH LEFT VENTRICULAR CARDIOMYOPATHY AND WOOLLY HAIR. Identifiers: Orphanet 65282, MedGen C1854063, MONDO:0011581, OMIM 605676.

Submission:

Labcorp Genetics (formerly Invitae), Labcorp
Classification: Pathogenic for Arrhythmogenic cardiomyopathy with wooly hair and keratoderma; Arrhythmogenic right ventricular dysplasia 8. Last evaluated: 2024-01-09. Review status: criteria provided, single submitter. Criteria: Invitae Variant Classification Sherloc (09022015). Collection method: clinical testing. Allele origin: germline.
Comment: This sequence change creates a premature translational stop signal (p.Leu723Serfs*42) in the DSP gene. It is expected to result in an absent or disrupted protein product. Loss-of-function variants in DSP are known to be pathogenic (PMID: 20716751, 24503780, 25227139). This variant is not present in population databases (gnomAD no frequency). This variant has not been reported in the literature in individuals affected with DSP-related conditions. For these reasons, this variant has been classified as Pathogenic.

Literature cited by the submitters: PubMed 20716751; PubMed 24503780; PubMed 25227139.

NM_004415.4(DSP):c.2166del (p.Leu723fs)

Gene: DSP (desmoplakin; plus strand). Cytogenetic location: 6p24.3.
Variant type: Deletion.
Coding change: c.2166del on transcript NM_004415.4 (MANE Select); coding-DNA position 2166, one base deleted (T; older notation c.2166delT).
Protein change: p.Leu723fs; shifts the reading frame from leucine 723.
Molecular consequence: frameshift variant.
Genome position (GRCh38, 1-based): chr6:7,574,121, T deleted; the last of 2 consecutive T bases (chr6:7,574,120-7,574,121); deleting either gives the same sequence. VCF-style (leftmost placement, unchanged base first): chr6-7574119-GT-G. GRCh37 (hg19) VCF-style: chr6-7574352-GT-G.
Other names: c.2166del, p.Leu723fs (NM_001008844.3, NM_001319034.2); short protein forms L723fs.
Identifiers: ClinVar variation 2922061 (VCV002922061.3), dbSNP rs2533903254, ClinGen allele CA2740094229.
Genomic context (GRCh38, chr6:7,574,119, plus strand): 5'-AAAAGAGCTTTCCTTCATTTTTGACAGAGTGTGCAGAATGATTCACAAGCAATTGCTGAG[GT>G]TCTCAACCAGCTTAAAGATATGCTTGCCAACTTCAGAGGTTCTGAAAAGTACTGCTATTT-3'